The following is an entry in ClinVar:

NM_000071.3(CBS):c.1600G>A (p.Val534Ile)

Gene: CBS (cystathionine beta-synthase; minus strand). Cytogenetic location: 21q22.3.
Variant type: single nucleotide variant.
Coding change: c.1600G>A on transcript NM_000071.3 (MANE Select); coding-DNA position 1600, G replaced by A.
Protein change: p.Val534Ile; replaces valine 534 with isoleucine.
Molecular consequence: missense variant.
Genome position (GRCh38, 1-based): chr21:43,053,936, C>T on the plus strand (G>A on the coding strand, the complement: CBS is on the minus strand). VCF-style: chr21-43053936-C-T. GRCh37 (hg19) VCF-style: chr21-44474046-C-T.
Other names: c.1600G>A, p.Val534Ile (NM_001178008.3, NM_001178009.3, NM_001320298.2); c.1285G>A, p.Val429Ile (NM_001321072.1); short protein forms V429I, V534I.
Identifiers: ClinVar variation 1013466 (VCV001013466.44), dbSNP rs779569366, ClinGen allele CA321684714.
Genomic context (GRCh38, chr21:43,053,936, plus strand): 5'-GACTTCACTTCTGGTCCCGCTCCTGGGCGGCCACGAAGTTCAGCAAGTCAATGGCGGTGA[C>T]CACCCCGAACACCATCTGCCGCTGACTGGACTTCCCGGTGCTGTGGTCTGAGGGGAGAAC-3'
Protein context (NP_000062.1, residues 524-544): SSQRQMVFGV[Val534Ile]TAIDLLNFVA

ClinVar aggregate classification (germline): Uncertain significance. Review status: criteria provided, multiple submitters, no conflicts (2 of 4 stars). 4 submissions from 4 submitters: Uncertain significance (4). Last evaluated 2025-11-22.

Conditions:
HYPERHOMOCYSTEINEMIA, THROMBOTIC, CBS-RELATED. Identifiers: MedGen C3150344, OMIM 236200.
Familial thoracic aortic aneurysm and aortic dissection (TAAD). Also called: Thoracic aortic aneurysms and dissections. Identifiers: Orphanet 91387, MedGen C4707243, MONDO:0019625.

Allele frequency attached by ClinVar (database versions not stated): ExAC 0.00001; gnomAD exomes 0.00001.

Submissions (4):

Labcorp Genetics (formerly Invitae), Labcorp
Classification: Uncertain significance for HYPERHOMOCYSTEINEMIA, THROMBOTIC, CBS-RELATED. Last evaluated: 2025-11-22. Review status: criteria provided, single submitter. Criteria: Invitae Variant Classification Sherloc (09022015). Collection method: clinical testing. Allele origin: germline.
Comment: This sequence change replaces valine, which is neutral and non-polar, with isoleucine, which is neutral and non-polar, at codon 534 of the CBS protein (p.Val534Ile). This variant is present in population databases (rs779569366, gnomAD 0.002%). This variant has not been reported in the literature in individuals affected with CBS-related conditions. ClinVar contains an entry for this variant (Variation ID: 1013466). Invitae Evidence Modeling of protein sequence and biophysical properties (such as structural, functional, and spatial information, amino acid conservation, physicochemical variation, residue mobility, and thermodynamic stability) indicates that this missense variant is expected to disrupt CBS protein function with a positive predictive value of 95%. In summary, the available evidence is currently insufficient to determine the role of this variant in disease. Therefore, it has been classified as a Variant of Uncertain Significance.

Ambry Genetics
Classification: Uncertain significance for Familial thoracic aortic aneurysm and aortic dissection. Last evaluated: 2024-11-10. Review status: criteria provided, single submitter. Criteria: Ambry Variant Classification Scheme 2023. Collection method: clinical testing. Allele origin: germline.
Comment: The p.V534I variant (also known as c.1600G>A), located in coding exon 15 of the CBS gene, results from a G to A substitution at nucleotide position 1600. The valine at codon 534 is replaced by isoleucine, an amino acid with highly similar properties. This amino acid position is conserved. In addition, the in silico prediction for this alteration is inconclusive. Based on the available evidence, the clinical significance of this variant remains unclear.

CeGaT Center for Human Genetics Tuebingen
Classification: Uncertain significance. Last evaluated: 2020-09-01. Review status: criteria provided, single submitter. Criteria: CeGaT Center For Human Genetics Tuebingen Variant Classification Criteria Version 2. Collection method: clinical testing. Allele origin: germline. Affected: yes. Observed: 1 variant allele.

GeneDx
Classification: Uncertain significance. Last evaluated: 2019-07-22. Review status: criteria provided, single submitter. Criteria: GeneDx Variant Classification Process June 2021. Collection method: clinical testing. Allele origin: germline. Affected: yes.
Comment: Has not been previously published as pathogenic or benign to our knowledge; Not observed at a significant frequency in large population cohorts (Lek et al., 2016); In silico analysis, which includes protein predictors and evolutionary conservation, supports that this variant does not alter protein structure/function